The following is an entry in ClinVar:

ClinVar aggregate classification (germline): Likely benign (1 of 4 stars; one submission).

Allele frequency attached by ClinVar (database versions not stated): gnomAD 0.00004; TOPMed 0.00005; ESP Exome Variant Server 0.00008.
gnomAD v4.1: 114 of 1,613,836 alleles (0.0071%); highest among the groups gnomAD compares: Middle Eastern, 0.017%; 1 homozygote.

Submission:

CeGaT Center for Human Genetics Tuebingen
Classification: Likely benign. Last evaluated: 2022-04-01. Review status: criteria provided, single submitter. Criteria: CeGaT Center For Human Genetics Tuebingen Variant Classification Criteria Version 2. Collection method: clinical testing. Allele origin: germline. Affected: yes. Observed: 1 variant allele.
Comment: SEMA6B: BP4, BP7

NM_032108.4(SEMA6B):c.1359G>A (p.Thr453=)

Gene: SEMA6B (semaphorin 6B; minus strand). Cytogenetic location: 19p13.3.
Variant type: single nucleotide variant.
Coding change: c.1359G>A on transcript NM_032108.4 (MANE Select); coding-DNA position 1359, G replaced by A.
Protein change: p.Thr453=; no amino-acid change (threonine 453 retained).
Molecular consequence: synonymous variant.
Genome position (GRCh38, 1-based): chr19:4,548,358, C>T on the plus strand (G>A on the coding strand, the complement: SEMA6B is on the minus strand). VCF-style: chr19-4548358-C-T. GRCh37 (hg19) VCF-style: chr19-4548370-C-T.
Identifiers: ClinVar variation 1694883 (VCV001694883.31), dbSNP rs149833889, ClinGen allele CA9102492.